The following is an entry in ClinVar:

NM_002230.4(JUP):c.545C>T (p.Ser182Leu)

Gene: JUP (junction plakoglobin; minus strand). Cytogenetic location: 17q21.2.
Variant type: single nucleotide variant.
Coding change: c.545C>T on transcript NM_002230.4 (MANE Select); coding-DNA position 545, C replaced by T.
Protein change: p.Ser182Leu; replaces serine 182 with leucine.
Molecular consequence: missense variant.
Genome position (GRCh38, 1-based): chr17:41,769,131, G>A on the plus strand (C>T on the coding strand, the complement: JUP is on the minus strand). VCF-style: chr17-41769131-G-A. GRCh37 (hg19) VCF-style: chr17-39925383-G-A.
Other names: c.545C>T, p.Ser182Leu (NM_001352773.2, NM_001352774.2, NM_001352775.2 and 3 more transcripts); short protein forms S182L.
Identifiers: ClinVar variation 45853 (VCV000045853.18), dbSNP rs145592971, ClinGen allele CA137223.

ClinVar aggregate classification (germline): Conflicting classifications of pathogenicity. Review status: criteria provided, conflicting classifications (1 of 4 stars). 5 submissions from 5 submitters: Uncertain significance (3); Likely benign (2). Last evaluated 2026-01-12.

Conditions:
Cardiovascular phenotype. Identifiers: MedGen CN230736.
Naxos disease (NXD). Also called: KERATOSIS PALMOPLANTARIS WITH ARRHYTHMOGENIC CARDIOMYOPATHY; MAL DE NAXOS; PALMOPLANTAR KERATODERMA WITH ARRHYTHMOGENIC RIGHT VENTRICULAR CARDIOMYOPATHY AND WOOLLY HAIR; WOOLLY HAIR, PALMOPLANTAR KERATODERMA, AND CARDIAC ABNORMALITIES; CARDIOMYOPATHY, ARRHYTHMOGENIC RIGHT VENTRICULAR, WITH SKIN, HAIR, AND NAIL ABNORMALITIES. Identifiers: Orphanet 34217, MedGen C1832600, MONDO:0011017, OMIM 601214.
Arrhythmogenic right ventricular dysplasia 12. Also called: ARRHYTHMOGENIC RIGHT VENTRICULAR DYSPLASIA, FAMILIAL, 12. Identifiers: MedGen C1969081, MONDO:0012684, OMIM 611528.

Allele frequency attached by ClinVar (database versions not stated): gnomAD exomes 0.00002; ExAC 0.00003; ESP Exome Variant Server 0.00008; TOPMed 0.00009; gnomAD 0.00013; 1000 Genomes Project 30x 0.00016; 1000 Genomes Project 0.00020.
gnomAD v4.1: 53 of 1,609,724 alleles (0.0033%); highest among the groups gnomAD compares: Middle Eastern, 0.033%; no homozygotes.

Submissions (5):

Labcorp Genetics (formerly Invitae), Labcorp
Classification: Uncertain significance for Arrhythmogenic right ventricular dysplasia 12; Naxos disease. Last evaluated: 2026-01-12. Review status: criteria provided, single submitter. Criteria: Invitae Variant Classification Sherloc (09022015). Collection method: clinical testing. Allele origin: germline.
Comment: This sequence change replaces serine, which is neutral and polar, with leucine, which is neutral and non-polar, at codon 182 of the JUP protein (p.Ser182Leu). This variant is present in population databases (rs145592971, gnomAD 0.03%). This variant has not been reported in the literature in individuals affected with JUP-related conditions. ClinVar contains an entry for this variant (Variation ID: 45853). An algorithm developed to predict the effect of missense changes on protein structure and function (PolyPhen-2) suggests that this variant is likely to be disruptive. In summary, the available evidence is currently insufficient to determine the role of this variant in disease. Therefore, it has been classified as a Variant of Uncertain Significance.

GeneDx
Classification: Uncertain significance. Last evaluated: 2023-10-16. Review status: criteria provided, single submitter. Criteria: GeneDx Variant Classification Process June 2021. Collection method: clinical testing. Allele origin: germline. Affected: yes.
Comment: In silico analysis supports that this missense variant has a deleterious effect on protein structure/function; Has not been previously published as pathogenic or benign in association with a JUP-related disorder to our knowledge; This variant is associated with the following publications: (PMID: 31983221)

Ambry Genetics
Classification: Likely benign for Cardiovascular phenotype. Last evaluated: 2022-04-27. Review status: criteria provided, single submitter. Criteria: Ambry Variant Classification Scheme 2023. Collection method: clinical testing. Allele origin: germline.

Women's Health and Genetics/Laboratory Corporation of America, LabCorp
Classification: Likely benign. Last evaluated: 2021-06-28. Review status: criteria provided, single submitter. Criteria: LabCorp Variant Classification Summary - May 2015. Collection method: clinical testing. Allele origin: germline.
Comment: Variant summary: JUP c.545C>T (p.Ser182Leu) results in a non-conservative amino acid change located in one of the armadillo repeats (IPR000225) of the encoded protein sequence. Five of five in-silico tools predict a damaging effect of the variant on protein function. The variant allele was found at a frequency of 5.4e-05 in 386114 control chromosomes, predominantly within the African or African-American subpopulation at a frequency of 0.00026 in the gnomAD database (gnomAD v2.1 exomes dataset, and gnomAD v3 genomes dataset). The observed variant frequency within African or African-American control individuals in the gnomAD database is approximately 10 fold of the estimated maximal expected allele frequency for a pathogenic variant in JUP causing Cardiomyopathy phenotype (2.5e-05), suggesting that the variant is a benign polymorphism found primarily in populations of African or African-American origin. To our knowledge, no occurrence of c.545C>T in individuals affected with Cardiomyopathy and no experimental evidence demonstrating its impact on protein function have been reported. Another clinical diagnostic laboratory has submitted clinical-significance assessments for this variant to ClinVar after 2014, and classified the variant as uncertain significance. Based on the evidence outlined above, the variant was classified as likely benign.

Laboratory for Molecular Medicine, Mass General Brigham Personalized Medicine
Classification: Uncertain significance. Last evaluated: 2012-05-22. Review status: criteria provided, single submitter. Criteria: LMM Criteria. Collection method: clinical testing. Allele origin: germline. Observed: 1 variant allele.
Comment: The Ser182Leu variant in JUP has been identified in 1/7018 European American chr omosomes from a broad population by the NHLBI Exome Sequencing Project (dbSNP rs145592971). Computational analyses (biochemic al amino acid properties, conservation, PolyPhen2, and SIFT) suggest that the As p149Asn variant may impact the protein, though this information is not predictiv e enough to determine pathogenicity. Additional information is needed to fully a ssess the clinical significance of the Ser182Leu variant.